The following is an entry in ClinVar:

NM_021926.4(ALX4):c.596C>T (p.Pro199Leu)

Gene: ALX4 (ALX homeobox 4; minus strand). Cytogenetic location: 11p11.2.
Variant type: single nucleotide variant.
Coding change: c.596C>T on transcript NM_021926.4 (MANE Select); coding-DNA position 596, C replaced by T.
Protein change: p.Pro199Leu; replaces proline 199 with leucine.
Molecular consequence: missense variant.
Genome position (GRCh38, 1-based): chr11:44,275,529, G>A on the plus strand (C>T on the coding strand, the complement: ALX4 is on the minus strand). VCF-style: chr11-44275529-G-A. GRCh37 (hg19) VCF-style: chr11-44297079-G-A.
Other names: c.596C>T, p.Pro199Leu (LRG_1256t1); short protein forms P199L.
Identifiers: ClinVar variation 386824 (VCV000386824.3), dbSNP rs758249273, ClinGen allele CA5955699.
Genomic context (GRCh38, chr11:44,275,529, plus strand): 5'-GTCCGGTTCCGCCGCTTCTTGCCCTTGTTGCTCTCTGAGTCGGCCTTCTCCAATGGGCTG[G>A]GGAGGTCTGAGCTGGCCCGGTCCTGGGGCCCCTTCACCCCAGCCTCCTTGACACTCAGGT-3'
Protein context (NP_068745.2, residues 189-209): GPQDRASSDL[Pro199Leu]SPLEKADSES

ClinVar aggregate classification (germline): Uncertain significance (1 of 4 stars; one submission).

Allele frequency attached by ClinVar (database versions not stated): gnomAD exomes below 0.00001; ExAC 0.00001; gnomAD 0.00002 and 0.00003; TOPMed 0.00003.
gnomAD v4.1: 8 of 1,614,062 alleles (0.0005%); highest among the groups gnomAD compares: African/African-American, 0.0053%; no homozygotes.

Submission:

GeneDx
Classification: Uncertain significance. Last evaluated: 2025-07-09. Review status: criteria provided, single submitter. Criteria: GeneDx Variant Classification Process June 2021. Collection method: clinical testing. Allele origin: germline. Affected: yes.
Comment: Not observed at significant frequency in large population cohorts (gnomAD); In silico analysis supports that this missense variant has a deleterious effect on protein structure/function; Has not been previously published as pathogenic or benign to our knowledge